The following is an entry in ClinVar:

ClinVar aggregate classification (germline): Pathogenic (1 of 4 stars; one submission).

Conditions:
Aicardi-Goutieres syndrome 5. Identifiers: Orphanet 51, MedGen C2749659, MONDO:0013059, OMIM 612952.

Submission:

Women's Health and Genetics/Laboratory Corporation of America, LabCorp
Classification: Pathogenic for Aicardi-Goutieres syndrome 5. Last evaluated: 2025-03-14. Review status: criteria provided, single submitter. Criteria: LabCorp Variant Classification Summary - May 2015. Collection method: clinical testing. Allele origin: germline.
Comment: Variant summary: The variant involves the deletion of exon 1 in the SAMHD1 gene. A presumed nomenclature of c.(?_-66)_(208+1_209-1)del has been designated for the purposes of this classification. The exact breakpoint at the 5' end of this variant is unknown, therefore this deletion may extend upstream of the annotated region of this gene. Although the exact breakpoints of this deletion are not known, it is predicted to remove the initiation codon and result in an absence of protein or a truncation of the encoded protein due to translation initiation at a downstream site. The variant allele was found at a frequency of 9.2e-05 in 21694 control chromosomes (2/21694 alleles in the gnomAD structural variants dataset). Various deletion variants encompassing exon 1 of the SAMHD1 gene have been reported in the literature in multiple homozygous and compound heterozygous individuals affected with Aicardi-Goutieres syndrome 5 (Piccoli_2021, Ramesh_2010, Leshinsky-Silver_2011, Rice_2013) and is considered an Ashkenazi Jewish founder mutation (Rice_2013). These data indicate that the variant is very likely to be associated with disease. To our knowledge, no experimental evidence demonstrating an impact on protein function has been reported. The following publications have been ascertained in the context of this evaluation (PMID: 21102625, 33307271, 20653736, 27943079). ClinVar contains an entry for this variant (Variation ID: 1677234). Based on the evidence outlined above, the variant was classified as pathogenic.

Literature cited by the submitters: PubMed 33307271; PubMed 21102625; PubMed 20653736; PubMed 27943079.

NC_000020.10:g.(35575208_35579838)_(35580112_?)del

Gene: SAMHD1 (SAM and HD domain containing deoxynucleoside triphosphate triphosphohydrolase 1; minus strand). Cytogenetic location: 20q11.23.
Variant type: Deletion.
Identifiers: ClinVar variation 3895636 (VCV003895636.1).